The following is an entry in ClinVar:

ClinVar aggregate classification (germline): Pathogenic (1 of 4 stars; one submission).

Conditions:
Familial cancer of breast. Also called: BREAST CANCER, FAMILIAL; Hereditary breast cancer; hereditary breast carcinoma. Identifiers: Orphanet 227535, MedGen C0346153, MONDO:0016419, OMIM 114480. Disease mechanism: loss of function.

Submission:

Labcorp Genetics (formerly Invitae), Labcorp
Classification: Pathogenic for Familial cancer of breast. Last evaluated: 2017-11-19. Review status: criteria provided, single submitter. Criteria: Invitae Variant Classification Sherloc (09022015). Collection method: clinical testing. Allele origin: germline.
Comment: This sequence change creates a premature translational stop signal (p.Leu236Trpfs*11) in the CHEK2 gene. It is expected to result in an absent or disrupted protein product. For these reasons, this variant has been classified as Pathogenic. Loss-of-function variants in CHEK2 are known to be pathogenic (PMID: 21876083, 24713400). This variant has not been reported in the literature in individuals with CHEK2-related disease. This variant is not present in population databases (ExAC no frequency).

Literature cited by the submitters: PubMed 21876083; PubMed 24713400.

NM_007194.4(CHEK2):c.706del (p.Leu236fs)

Gene: CHEK2 (checkpoint kinase 2; minus strand). Cytogenetic location: 22q12.1.
Variant type: Deletion.
Coding change: c.706del on transcript NM_007194.4 (MANE Select); coding-DNA position 706, one base deleted (C; older notation c.706delC).
Protein change: p.Leu236fs; shifts the reading frame from leucine 236.
Molecular consequence: frameshift variant.
Genome position (GRCh38, 1-based): chr22:28,711,995, G deleted on the plus strand (C on the coding strand, the reverse complement: CHEK2 is on the minus strand). VCF-style (leftmost placement, unchanged base first): chr22-28711994-AG-A. GRCh37 (hg19) VCF-style: chr22-29107982-AG-A.
Other names: c.835delC, p.Leu279Trpfs (NM_001005735.3); c.43delC, p.Leu15Trpfs (NM_001257387.3); c.505delC, p.Leu169Trpfs (NM_001349956.3); c.706delC, p.Leu236Trpfs (NM_145862.3); short protein forms L15fs, L169fs, L279fs, L236fs.
Identifiers: ClinVar variation 530094 (VCV000530094.7), dbSNP rs1555921290, ClinGen allele CA658799524.